The following is an entry in ClinVar:

NM_001379500.1(COL18A1):c.479G>C (p.Gly160Ala)

Gene: COL18A1 (collagen type XVIII alpha 1 chain; plus strand). Cytogenetic location: 21q22.3.
Variant type: single nucleotide variant.
Coding change: c.479G>C on transcript NM_001379500.1 (MANE Select); coding-DNA position 479, G replaced by C.
Protein change: p.Gly160Ala; replaces glycine 160 with alanine.
Molecular consequence: missense variant.
Genome position (GRCh38, 1-based): chr21:45,468,614, G>C. VCF-style: chr21-45468614-G-C. GRCh37 (hg19) VCF-style: chr21-46888528-G-C.
Other names: c.1019G>C, p.Gly340Ala (NM_030582.4); c.1724G>C, p.Gly575Ala (NM_130444.3); short protein forms G160A, G575A, G340A.
Identifiers: ClinVar variation 2122794 (VCV002122794.4), dbSNP rs866586030, ClinGen allele CA410512123.
Genomic context (GRCh38, chr21:45,468,614, plus strand): 5'-CAGAACCAGGTGCAGGCCAGACCCACACAGCCGCCAGCTTCCGGCTCCCCGCCTTCGTCG[G>C]CCAGTGGACACACTTAGCCCTCAGTGTGGCAGGTGGCTTTGTGGCCCTCTACGTGGACTG-3'
Protein context (NP_001366429.1, residues 150-170): AASFRLPAFV[Gly160Ala]QWTHLALSVA

ClinVar aggregate classification (germline): Uncertain significance (1 of 4 stars; one submission).

Submission:

Labcorp Genetics (formerly Invitae), Labcorp
Classification: Uncertain significance. Last evaluated: 2022-11-01. Review status: criteria provided, single submitter. Criteria: Invitae Variant Classification Sherloc (09022015). Collection method: clinical testing. Allele origin: germline.
Comment: This variant has not been reported in the literature in individuals affected with COL18A1-related conditions. This variant is not present in population databases (gnomAD no frequency). This sequence change replaces glycine, which is neutral and non-polar, with alanine, which is neutral and non-polar, at codon 160 of the COL18A1 protein (p.Gly160Ala). In summary, the available evidence is currently insufficient to determine the role of this variant in disease. Therefore, it has been classified as a Variant of Uncertain Significance. Experimental studies and prediction algorithms are not available or were not evaluated, and the functional significance of this variant is currently unknown.